The following is an entry in ClinVar:

NM_182961.4(SYNE1):c.17471T>A (p.Leu5824Gln)

Genes: SYNE1 (spectrin repeat containing nuclear envelope protein 1; minus strand), LOC129997480 (ATAC-STARR-seq lymphoblastoid active region 25287; plus strand). Cytogenetic location: 6q25.2.
Variant type: single nucleotide variant.
Coding change: c.17471T>A on transcript NM_182961.4 (MANE Select); coding-DNA position 17471, T replaced by A.
Protein change: p.Leu5824Gln; replaces leucine 5824 with glutamine.
Molecular consequence: missense variant.
Genome position (GRCh38, 1-based): chr6:152,301,939, A>T on the plus strand (T>A on the coding strand, the complement: SYNE1 is on the minus strand). VCF-style: chr6-152301939-A-T. GRCh37 (hg19) VCF-style: chr6-152623074-A-T.
Other names: c.17258T>A, p.Leu5753Gln (NM_033071.5); short protein forms L5753Q, L5824Q.
Identifiers: ClinVar variation 2158784 (VCV002158784.4), dbSNP rs2095193142, ClinGen allele CA366103713.

ClinVar aggregate classification (germline): Uncertain significance (1 of 4 stars; one submission).

Conditions:
Autosomal recessive ataxia, Beauce type. Also called: SYNE1-Related Autosomal Recessive Cerebellar Ataxia; Spinocerebellar ataxia, autosomal recessive 8; ATAXIA, RECESSIVE, OF BEAUCE; SYNE1 Deficiency. Identifiers: Orphanet 88644, MedGen C1853116, MONDO:0012549, OMIM 610743.
Emery-Dreifuss muscular dystrophy 4, autosomal dominant (EDMD4). Also called: EMERY-DREIFUSS MUSCULAR DYSTROPHY 4 WITH VARIABLE FEATURES. Identifiers: Orphanet 261, MedGen C2751807, MONDO:0013071, OMIM 612998.

Allele frequency attached by ClinVar (database versions not stated): gnomAD exomes below 0.00001; gnomAD 0.00001.
gnomAD v4.1: 4 of 1,614,060 alleles (0.00025%); highest among the groups gnomAD compares: Admixed American, 0.0017%; no homozygotes.

Submission:

Labcorp Genetics (formerly Invitae), Labcorp
Classification: Uncertain significance for Emery-Dreifuss muscular dystrophy 4, autosomal dominant; Autosomal recessive ataxia, Beauce type. Last evaluated: 2022-05-03. Review status: criteria provided, single submitter. Criteria: Invitae Variant Classification Sherloc (09022015). Collection method: clinical testing. Allele origin: germline.
Comment: In summary, the available evidence is currently insufficient to determine the role of this variant in disease. Therefore, it has been classified as a Variant of Uncertain Significance. Algorithms developed to predict the effect of missense changes on protein structure and function are either unavailable or do not agree on the potential impact of this missense change (SIFT: "Deleterious"; PolyPhen-2: "Benign"; Align-GVGD: "Class C55"). This variant has not been reported in the literature in individuals affected with SYNE1-related conditions. This variant is not present in population databases (gnomAD no frequency). This sequence change replaces leucine, which is neutral and non-polar, with glutamine, which is neutral and polar, at codon 5753 of the SYNE1 protein (p.Leu5753Gln).